The following is an entry in ClinVar:

ClinVar aggregate classification (germline): Benign/Likely benign. Review status: criteria provided, multiple submitters, no conflicts (2 of 4 stars). 5 submissions from 5 submitters: Benign (2); Likely benign (3). Last evaluated 2026-01-15.

Conditions:
Cardiovascular phenotype. Identifiers: MedGen CN230736.
Cardiac arrhythmia. Also called: Cardiac rhythm disease; Arrhythmia. Identifiers: MedGen C0003811, MONDO:0007263, HP:0011675.
Long QT syndrome (LQTS). Identifiers: MedGen C0023976, MeSH D008133, MONDO:0002442. Disease mechanism: loss of function. Inheritance: Various modes of inheritance.

Allele frequency attached by ClinVar (database versions not stated): gnomAD 0.00001 and 0.00011; TOPMed 0.00003; gnomAD exomes 0.00011 and 0.00020; ExAC 0.00025; 1000 Genomes Project 30x 0.00078; 1000 Genomes Project 0.00100.
gnomAD v4.1: 185 of 1,614,138 alleles (0.011%); highest among the groups gnomAD compares: South Asian, 0.17%; 2 homozygotes.

Submissions (5):

Labcorp Genetics (formerly Invitae), Labcorp
Classification: Benign for Long QT syndrome. Last evaluated: 2026-01-15. Review status: criteria provided, single submitter. Criteria: Invitae Variant Classification Sherloc (09022015). Collection method: clinical testing. Allele origin: germline.

All of Us Research Program, National Institutes of Health
Classification: Likely benign for Long QT syndrome. Last evaluated: 2023-12-18. Review status: criteria provided, single submitter. Criteria: ACMG Guidelines, 2015. Collection method: clinical testing. Allele origin: germline. Inheritance: Autosomal dominant inheritance. Observed: 6 variant alleles, 6 heterozygotes.
Comment: This study involves interpretation of variants in research participants for the purpose of population health screening. Participant phenotype was not available at the time of variant classification. Additional details can be found in publication PMID: 35346344, PMCID: PMC8962531

Color Diagnostics, LLC DBA Color Health
Classification: Likely benign for Arrhythmia. Last evaluated: 2019-07-15. Review status: criteria provided, single submitter. Criteria: ACMG Guidelines, 2015. Collection method: clinical testing. Allele origin: germline.

Ambry Genetics
Classification: Likely benign for Cardiovascular phenotype. Last evaluated: 2016-07-06. Review status: criteria provided, single submitter. Criteria: Ambry Variant Classification Scheme 2023. Collection method: clinical testing. Allele origin: germline.

GeneDx
Classification: Benign. Last evaluated: 2015-03-03. Review status: criteria provided, single submitter. Criteria: GeneDx Variant Classification Process June 2021. Collection method: clinical testing. Allele origin: germline. Affected: yes.

NM_000238.4(KCNH2):c.2133C>T (p.Ile711=)

Gene: KCNH2 (potassium voltage-gated channel subfamily H member 2; minus strand). Cytogenetic location: 7q36.1.
Variant type: single nucleotide variant.
Coding change: c.2133C>T on transcript NM_000238.4 (MANE Select); coding-DNA position 2133, C replaced by T.
Protein change: p.Ile711=; no amino-acid change (isoleucine 711 retained).
Molecular consequence: synonymous variant. On other transcripts: non-coding transcript variant (2).
Genome position (GRCh38, 1-based): chr7:150,950,933, G>A on the plus strand (C>T on the coding strand, the complement: KCNH2 is on the minus strand). VCF-style: chr7-150950933-G-A. GRCh37 (hg19) VCF-style: chr7-150648021-G-A.
Other names: c.1113C>T, p.Ile371= (NM_001204798.2, NM_172057.3); c.1845C>T, p.Ile615= (NM_001406753.1, NM_001406756.1); c.1956C>T, p.Ile652= (NM_001406755.1); c.1833C>T, p.Ile611= (NM_001406757.1); c.2133C>T, p.Ile711= (NM_172056.3); c.2133C>T (NM_000238.2).
Identifiers: ClinVar variation 518800 (VCV000518800.21), dbSNP rs562349092, ClinGen allele CA030705.
Genomic context (GRCh38, chr7:150,950,933, plus strand): 5'-CCACTCTTCCCAGCCTGCCACCCACTGGCCACGCTCTGGTGGCCTCACCGCGTTCATGTC[G>A]ATGCCGTTGGTGTAGGACCAGGCGTGCTGGAAGTACTCCTCGAGGCGCTGGCGCAGGGGA-3'
Protein context (NP_000229.1, residues 701-721): FQHAWSYTNG[Ile711=]DMNAVLKGFP